The following is an entry in ClinVar:

ClinVar aggregate classification (germline): Benign (1 of 4 stars; one submission).

gnomAD v4.1: 5,068 of 1,572,576 alleles (0.32%); highest among the groups gnomAD compares: South Asian, 1.2%; 32 homozygotes.

Submission:

CeGaT Center for Human Genetics Tuebingen
Classification: Benign. Last evaluated: 2026-03-01. Review status: criteria provided, single submitter. Criteria: CeGaT Center For Human Genetics Tuebingen Variant Classification Criteria Version 2. Collection method: clinical testing. Allele origin: germline. Affected: yes. Observed: 4 variant alleles.
Comment: DOT1L: BP4, BP7, BS1, BS2

NM_032482.3(DOT1L):c.4350C>T (p.Ser1450=)

Gene: DOT1L (DOT1 like histone lysine methyltransferase; plus strand). Cytogenetic location: 19p13.3.
Variant type: single nucleotide variant.
Coding change: c.4350C>T on transcript NM_032482.3 (MANE Select); coding-DNA position 4350, C replaced by T.
Protein change: p.Ser1450=; no amino-acid change (serine 1450 retained).
Molecular consequence: synonymous variant.
Genome position (GRCh38, 1-based): chr19:2,226,871, C>T. VCF-style: chr19-2226871-C-T. GRCh37 (hg19) VCF-style: chr19-2226870-C-T.
Other names: c.4350C>T, p.Ser1450= (NM_001411141.1).
Identifiers: ClinVar variation 4280779 (VCV004280779.7).